The following is an entry in ClinVar:

NM_004525.3(LRP2):c.712A>C (p.Asn238His)

Gene: LRP2 (LDL receptor related protein 2; minus strand). Cytogenetic location: 2q31.1.
Variant type: single nucleotide variant.
Coding change: c.712A>C on transcript NM_004525.3 (MANE Select); coding-DNA position 712, A replaced by C.
Protein change: p.Asn238His; replaces asparagine 238 with histidine.
Molecular consequence: missense variant.
Genome position (GRCh38, 1-based): chr2:169,292,310, T>G on the plus strand (A>C on the coding strand, the complement: LRP2 is on the minus strand). VCF-style: chr2-169292310-T-G. GRCh37 (hg19) VCF-style: chr2-170148820-T-G.
Other names: short protein forms N238H.
Identifiers: ClinVar variation 4994862 (VCV004994862.1).
Genomic context (GRCh38, chr2:169,292,310, plus strand): 5'-TACCACATCCATCTTCATCTCCATTATCTTTACAGTCATCTTCTCCATCACAAACCCAGT[T>G]TTGATAAATGCATCGGCCACTGGGGCAAGTGAACTGGTAACCACCGCAGGTCGGATAGTC-3'
Protein context (NP_004516.2, residues 228-248): TCPSGRCIYQ[Asn238His]WVCDGEDDCK

ClinVar aggregate classification (germline): Uncertain significance (1 of 4 stars; one submission).

Conditions:
LRP2-related disorder. Also called: LRP2-related condition.

gnomAD v4.1: 6 of 1,614,158 alleles (0.00037%); highest among the groups gnomAD compares: Non-Finnish European, 0.00042%; no homozygotes.

Submission:

PreventionGenetics, part of Exact Sciences
Classification: Uncertain significance for LRP2-related condition. Last evaluated: 2026-04-21. Review status: criteria provided, single submitter. Criteria: ACMG Guidelines, 2015. Collection method: clinical testing. Allele origin: germline.
Comment: The LRP2 c.712A>C variant is predicted to result in the amino acid substitution p.Asn238His. To our knowledge, this variant has not been reported in the literature. This variant is reported in 0.0018% of alleles in individuals of European (Non-Finnish) descent in gnomAD. At this time, the clinical significance of this variant is uncertain due to the absence of conclusive functional and genetic evidence.